The following is an entry in ClinVar:

ClinVar aggregate classification (germline): Uncertain significance (1 of 4 stars; one submission).

Submission:

GeneDx
Classification: Uncertain significance. Last evaluated: 2024-05-20. Review status: criteria provided, single submitter. Criteria: GeneDx Variant Classification Process June 2021. Collection method: clinical testing. Allele origin: germline. Affected: yes.
Comment: Not observed at significant frequency in large population cohorts (gnomAD); In silico analysis indicates that this missense variant does not alter protein structure/function; Has not been previously published as pathogenic or benign to our knowledge

NM_003632.3(CNTNAP1):c.3544G>C (p.Ala1182Pro)

Gene: CNTNAP1 (contactin associated protein 1; plus strand). Cytogenetic location: 17q21.2.
Variant type: single nucleotide variant.
Coding change: c.3544G>C on transcript NM_003632.3 (MANE Select); coding-DNA position 3544, G replaced by C.
Protein change: p.Ala1182Pro; replaces alanine 1182 with proline.
Molecular consequence: missense variant.
Genome position (GRCh38, 1-based): chr17:42,697,343, G>C. VCF-style: chr17-42697343-G-C. GRCh37 (hg19) VCF-style: chr17-40849361-G-C.
Other names: short protein forms A1182P.
Identifiers: ClinVar variation 3381605 (VCV003381605.1).